The following is an entry in ClinVar:

ClinVar aggregate classification (germline): Benign/Likely benign. Review status: criteria provided, multiple submitters, no conflicts (2 of 4 stars). 6 submissions from 6 submitters: Benign (4); Likely benign (2). Last evaluated 2026-02-04.

Conditions:
Hermansky-Pudlak syndrome 2 (HPS2). Also called: Platelet defects and oculocutaneous albinism. Identifiers: Orphanet 183678, Orphanet 79430, MedGen C1842362, MONDO:0011997, OMIM 608233.
Autoinflammatory syndrome. Identifiers: Orphanet 93665, MedGen C3890737, MONDO:0019751.

Submissions (6):

Labcorp Genetics (formerly Invitae), Labcorp
Classification: Benign for Hermansky-Pudlak syndrome 2. Last evaluated: 2026-02-04. Review status: criteria provided, single submitter. Criteria: Invitae Variant Classification Sherloc (09022015). Collection method: clinical testing. Allele origin: germline.

Blueprint Genetics
Classification: Likely benign. Last evaluated: 2024-11-26. Review status: criteria provided, single submitter. Criteria: ACMG Guidelines, 2015. Collection method: clinical testing. Allele origin: germline.

Mayo Clinic Laboratories, Mayo Clinic
Classification: Benign. Last evaluated: 2024-01-30. Review status: criteria provided, single submitter. Criteria: ACMG Guidelines, 2015. Collection method: clinical testing. Allele origin: germline. Observed: 76 variant alleles.
Comment: BS1, BS2

Genome Diagnostics Laboratory, The Hospital for Sick Children
Classification: Benign for Autoinflammatory syndrome. Last evaluated: 2022-02-19. Review status: criteria provided, single submitter. Criteria: ACMG Guidelines, 2015. Collection method: clinical testing. Allele origin: germline. Affected: yes.

GeneDx
Classification: Likely benign. Last evaluated: 2020-08-24. Review status: criteria provided, single submitter. Criteria: GeneDx Variant Classification Process June 2021. Collection method: clinical testing. Allele origin: germline. Affected: yes.

Laboratory for Molecular Medicine, Mass General Brigham Personalized Medicine
Classification: Benign. Last evaluated: 2014-04-10. Review status: criteria provided, single submitter. Criteria: LMM Criteria. Collection method: clinical testing. Allele origin: germline. Observed: 4 variant alleles.
Comment: Lys804del in exon 21 of AP3B1: This variant is not expected to have clinical sig nificance because it has been identified in 1.85% (161/8721) of European America n chromosomes from a broad population by the NHLBI Exome Sequencing Project (dbSNP rs199702315).

NM_003664.5(AP3B1):c.2409_2411del (p.Lys804del)

Gene: AP3B1 (adaptor related protein complex 3 subunit beta 1; minus strand). Cytogenetic location: 5q14.1.
Variant type: Deletion.
Coding change: c.2409_2411del on transcript NM_003664.5 (MANE Select); coding-DNA positions 2409 to 2411, 3 bases deleted (GAA; older notation c.2409_2411delGAA).
Protein change: p.Lys804del; deletes lysine 804.
Molecular consequence: inframe deletion.
Genome position (GRCh38, 1-based): chr5:78,101,012-78,101,014, TTC deleted on the plus strand (GAA on the coding strand, the reverse complement: AP3B1 is on the minus strand); deleting any 3 consecutive bases within chr5:78,101,012-78,101,016 gives the same sequence; the c. name uses the placement nearest the transcript's 3' end. VCF-style (leftmost placement, unchanged base first): chr5-78101011-TTTC-T. GRCh37 (hg19) VCF-style: chr5-77396835-TTTC-T.
Other names: c.2262_2264del, p.Lys755del (NM_001271769.2); c.2409_2411delGAA (NM_003664.4); short protein forms K804del, K755del.
Identifiers: ClinVar variation 179635 (VCV000179635.24), dbSNP rs199702315, ClinGen allele CA184817.